The following is an entry in ClinVar:

ClinVar aggregate classification (germline): Uncertain significance (1 of 4 stars; one submission).

Allele frequency attached by ClinVar (database versions not stated): gnomAD exomes below 0.00001; gnomAD 0.00003.
gnomAD v4.1: 5 of 1,614,040 alleles (0.00031%); highest among the groups gnomAD compares: Admixed American, 0.0033%; no homozygotes.

Submission:

Labcorp Genetics (formerly Invitae), Labcorp
Classification: Uncertain significance. Last evaluated: 2023-11-23. Review status: criteria provided, single submitter. Criteria: Invitae Variant Classification Sherloc (09022015). Collection method: clinical testing. Allele origin: germline.
Comment: This sequence change creates a premature translational stop signal (p.Gln16*) in the ZNF408 gene. It is expected to result in an absent or disrupted protein product. However, the current clinical and genetic evidence is not sufficient to establish whether loss-of-function variants in ZNF408 cause disease. This variant is present in population databases (no rsID available, gnomAD 0.1%). This variant has not been reported in the literature in individuals affected with ZNF408-related conditions. In summary, the available evidence is currently insufficient to determine the role of this variant in disease. Therefore, it has been classified as a Variant of Uncertain Significance.

NM_024741.3(ZNF408):c.46C>T (p.Gln16Ter)

Genes: ZNF408 (zinc finger protein 408; plus strand), LOC130005659 (ATAC-STARR-seq lymphoblastoid active region 4684; plus strand). Cytogenetic location: 11p11.2.
Variant type: single nucleotide variant.
Coding change: c.46C>T on transcript NM_024741.3 (MANE Select); coding-DNA position 46, C replaced by T.
Protein change: p.Gln16Ter; replaces glutamine 16 with a stop codon.
Molecular consequence: nonsense. On other transcripts: 5 prime UTR variant (1).
Genome position (GRCh38, 1-based): chr11:46,701,093, C>T. VCF-style: chr11-46701093-C-T. GRCh37 (hg19) VCF-style: chr11-46722643-C-T.
Other names: c.-21C>T (NM_001184751.2); short protein forms Q16*.
Identifiers: ClinVar variation 2797546 (VCV002797546.3), dbSNP rs978091102, ClinGen allele CA221627891.